The following is an entry in ClinVar:

ClinVar aggregate classification (germline): Pathogenic (1 of 4 stars; one submission).

Conditions:
Tuberous sclerosis 2 (TSC2). Identifiers: Orphanet 805, MedGen C1860707, MONDO:0013199, OMIM 613254.

Submission:

Labcorp Genetics (formerly Invitae), Labcorp
Classification: Pathogenic for Tuberous sclerosis 2. Last evaluated: 2020-10-25. Review status: criteria provided, single submitter. Criteria: Invitae Variant Classification Sherloc (09022015). Collection method: clinical testing. Allele origin: germline.
Comment: For these reasons, this variant has been classified as Pathogenic. Loss-of-function variants in TSC2 are known to be pathogenic (PMID: 10205261, 17304050). This variant has not been reported in the literature in individuals with TSC2-related conditions. This variant is a gross deletion of the genomic region encompassing exons 2-4 of the TSC2 gene, which includes the initiator codon. The 5' end of this event is unknown as it extends beyond the assayed region for this gene and therefore may encompass additional genes. The 3' boundary is likely confined to intron 4 of the TSC2 gene. This is expected to result in an absent or disrupted protein product.

Literature cited by the submitters: PubMed 10205261; PubMed 17304050.

NC_000016.9:g.(?_2098597)_(2103473_?)del

Gene: TSC2 (TSC complex subunit 2; plus strand). Cytogenetic location: 16p13.3.
Variant type: Deletion.
Identifiers: ClinVar variation 1075378 (VCV001075378.5).